The following is an entry in ClinVar:

NM_018699.4(PRDM5):c.1188+13A>C

Gene: PRDM5 (PR/SET domain 5; minus strand). Cytogenetic location: 4q27.
Variant type: single nucleotide variant.
Coding change: c.1188+13A>C on transcript NM_018699.4 (MANE Select); 13 bases into the intron after coding-DNA position 1188, A replaced by C.
Molecular consequence: intron variant.
Genome position (GRCh38, 1-based): chr4:120,798,254, T>G on the plus strand (A>C on the coding strand, the complement: PRDM5 is on the minus strand). VCF-style: chr4-120798254-T-G. GRCh37 (hg19) VCF-style: chr4-121719409-T-G.
Other names: c.1095+13A>C (NM_001300824.2, NM_001379106.1, NM_001300823.2); c.1221+13A>C (NM_001379104.1).
Identifiers: ClinVar variation 515036 (VCV000515036.5), dbSNP rs748042897, ClinGen allele CA3061130.

ClinVar aggregate classification (germline): Likely benign. Review status: criteria provided, multiple submitters, no conflicts (2 of 4 stars). 2 submissions from 2 submitters: Likely benign (2). Last evaluated 2026-01-11.

Allele frequency attached by ClinVar (database versions not stated): gnomAD 0.00001; gnomAD exomes 0.00003 and 0.00005; ExAC 0.00010.
gnomAD v4.1: 37 of 1,495,504 alleles (0.0025%); highest among the groups gnomAD compares: Non-Finnish European, 0.0033%; no homozygotes.

Submissions (2):

Labcorp Genetics (formerly Invitae), Labcorp
Classification: Likely benign. Last evaluated: 2026-01-11. Review status: criteria provided, single submitter. Criteria: Invitae Variant Classification Sherloc (09022015). Collection method: clinical testing. Allele origin: germline.

GeneDx
Classification: Likely benign. Last evaluated: 2018-01-25. Review status: criteria provided, single submitter. Criteria: GeneDx Variant Classification (06012015). Collection method: clinical testing. Allele origin: germline. Affected: yes.
Comment: This variant is considered likely benign or benign based on one or more of the following criteria: it is a conservative change, it occurs at a poorly conserved position in the protein, it is predicted to be benign by multiple in silico algorithms, and/or has population frequency not consistent with disease.